The following is an entry in ClinVar:

NM_182972.3(IRF2BP2):c.1028G>A (p.Gly343Glu)

Genes: IRF2BP2 (interferon regulatory factor 2 binding protein 2; minus strand), LOC129932810 (ATAC-STARR-seq lymphoblastoid active region 2760; plus strand). Cytogenetic location: 1q42.3.
Variant type: single nucleotide variant.
Coding change: c.1028G>A on transcript NM_182972.3 (MANE Select); coding-DNA position 1028, G replaced by A.
Protein change: p.Gly343Glu; replaces glycine 343 with glutamic acid.
Molecular consequence: missense variant. On other transcripts: intron variant (1).
Genome position (GRCh38, 1-based): chr1:234,608,467, C>T on the plus strand (G>A on the coding strand, the complement: IRF2BP2 is on the minus strand). VCF-style: chr1-234608467-C-T. GRCh37 (hg19) VCF-style: chr1-234744213-C-T.
Other names: c.1000+28G>A (NM_001077397.1); short protein forms G343E.
Identifiers: ClinVar variation 1397560 (VCV001397560.6), dbSNP rs1013883025, ClinGen allele CA39545940.
Genomic context (GRCh38, chr1:234,608,467, plus strand): 5'-TTTTCTCCCCTAGACCCCCTCACTTCACAGCCGCCCCTACCTGCTTTAGACCCGTTGGCC[C>T]CGTTGGCCTCGAAACCCAACAACCTGCCTGCAGTCAGGGCCGGCTCCTTCTTAAACTTGC-3'
Protein context (NP_892017.2, residues 333-353): AGRLLGFEAN[Gly343Glu]ANGSKAVART

ClinVar aggregate classification (germline): Uncertain significance (1 of 4 stars; one submission).

Allele frequency attached by ClinVar (database versions not stated): gnomAD exomes below 0.00001 and 0.00001; gnomAD 0.00004; TOPMed 0.00005.
gnomAD v4.1: 9 of 1,591,404 alleles (0.00057%); highest among the groups gnomAD compares: African/African-American, 0.011%; no homozygotes.

Submission:

Labcorp Genetics (formerly Invitae), Labcorp
Classification: Uncertain significance. Last evaluated: 2023-07-12. Review status: criteria provided, single submitter. Criteria: Invitae Variant Classification Sherloc (09022015). Collection method: clinical testing. Allele origin: germline.
Comment: This variant is present in population databases (no rsID available, gnomAD 0.01%). In summary, the available evidence is currently insufficient to determine the role of this variant in disease. Therefore, it has been classified as a Variant of Uncertain Significance. Algorithms developed to predict the effect of sequence changes on RNA splicing suggest that this variant may disrupt the consensus splice site. An algorithm developed to predict the effect of missense changes on protein structure and function (PolyPhen-2) suggests that this variant is likely to be disruptive. ClinVar contains an entry for this variant (Variation ID: 1397560). This variant has not been reported in the literature in individuals affected with IRF2BP2-related conditions. This sequence change replaces glycine, which is neutral and non-polar, with glutamic acid, which is acidic and polar, at codon 343 of the IRF2BP2 protein (p.Gly343Glu).